The following is an entry in ClinVar:

NM_001173464.2(KIF21A):c.2363A>C (p.Glu788Ala)

Gene: KIF21A (kinesin family member 21A; minus strand). Cytogenetic location: 12q12.
Variant type: single nucleotide variant.
Coding change: c.2363A>C on transcript NM_001173464.2 (MANE Select); coding-DNA position 2363, A replaced by C.
Protein change: p.Glu788Ala; replaces glutamic acid 788 with alanine.
Molecular consequence: missense variant.
Genome position (GRCh38, 1-based): chr12:39,337,151, T>G on the plus strand (A>C on the coding strand, the complement: KIF21A is on the minus strand). VCF-style: chr12-39337151-T-G. GRCh37 (hg19) VCF-style: chr12-39730953-T-G.
Other names: c.2324A>C (NM_017641.3); c.2324A>C, p.Glu775Ala (NM_001173463.2, NM_001173465.2, NM_001378441.1 and 1 more transcripts); c.2363A>C, p.Glu788Ala (NM_001378439.1, NM_001378440.1); short protein forms E775A, E788A.
Identifiers: ClinVar variation 3907047 (VCV003907047.2).

ClinVar aggregate classification (germline): Uncertain significance. Review status: criteria provided, multiple submitters, no conflicts (2 of 4 stars). 2 submissions from 2 submitters: Uncertain significance (2). Last evaluated 2025-11-25.

Conditions:
Inborn genetic diseases. Identifiers: MedGen C0950123, MeSH D030342.

gnomAD v4.1: 1 of 1,612,768 alleles (0.000062%); highest among the groups gnomAD compares: Non-Finnish European, 0.000085%; no homozygotes.

Submissions (2):

Ambry Genetics
Classification: Uncertain significance for Inborn genetic diseases. Last evaluated: 2025-11-25. Review status: criteria provided, single submitter. Criteria: Ambry Variant Classification Scheme 2023. Collection method: clinical testing. Allele origin: germline.

Women's Health and Genetics/Laboratory Corporation of America, LabCorp
Classification: Uncertain significance. Last evaluated: 2025-06-17. Review status: criteria provided, single submitter. Criteria: LabCorp Variant Classification Summary - May 2015. Collection method: clinical testing. Allele origin: germline.
Comment: Variant summary: KIF21A c.2363A>C (p.Glu788Ala) results in a non-conservative amino acid change in the encoded protein sequence. Algorithms developed to predict the effect of missense changes on protein structure and function are either unavailable or do not agree on the potential impact of this missense change. The variant allele was found at a frequency of 4e-06 in 250804 control chromosomes. The available data on variant occurrences in the general population are insufficient to allow any conclusion about variant significance. To our knowledge, no occurrence of c.2363A>C in individuals affected with KIF21A-Related Disorders and no experimental evidence demonstrating its impact on protein function have been reported. No submitters have cited clinical-significance assessments for this variant to ClinVar. Based on the evidence outlined above, the variant was classified as uncertain significance.